The following is an entry in ClinVar:

ClinVar aggregate classification (germline): Uncertain significance (1 of 4 stars; one submission).

Conditions:
Ullrich congenital muscular dystrophy 2 (UCMD2). Identifiers: Orphanet 75840, MedGen C4225314, MONDO:0014654, OMIM 616470.
Bethlem myopathy 2 (BTHLM2). Identifiers: Orphanet 536516, Orphanet 610, MedGen C4225313, MONDO:0034022, OMIM 616471.

Submission:

Labcorp Genetics (formerly Invitae), Labcorp
Classification: Uncertain significance for Bethlem myopathy 2; Ullrich congenital muscular dystrophy 2. Last evaluated: 2022-06-14. Review status: criteria provided, single submitter. Criteria: Invitae Variant Classification Sherloc (09022015). Collection method: clinical testing. Allele origin: germline.
Comment: In summary, the available evidence is currently insufficient to determine the role of this variant in disease. Therefore, it has been classified as a Variant of Uncertain Significance. Algorithms developed to predict the effect of missense changes on protein structure and function are either unavailable or do not agree on the potential impact of this missense change (SIFT: "Deleterious"; PolyPhen-2: "Probably Damaging"; Align-GVGD: "Class C0"). This variant has not been reported in the literature in individuals affected with COL12A1-related conditions. This variant is not present in population databases (gnomAD no frequency). This sequence change replaces glycine, which is neutral and non-polar, with arginine, which is basic and polar, at codon 1232 of the COL12A1 protein (p.Gly1232Arg).

NM_004370.6(COL12A1):c.3694G>C (p.Gly1232Arg)

Gene: COL12A1 (collagen type XII alpha 1 chain; minus strand). Cytogenetic location: 6q13.
Variant type: single nucleotide variant.
Coding change: c.3694G>C on transcript NM_004370.6 (MANE Select); coding-DNA position 3694, G replaced by C.
Protein change: p.Gly1232Arg; replaces glycine 1232 with arginine.
Molecular consequence: missense variant.
Genome position (GRCh38, 1-based): chr6:75,152,354, C>G on the plus strand (G>C on the coding strand, the complement: COL12A1 is on the minus strand). VCF-style: chr6-75152354-C-G. GRCh37 (hg19) VCF-style: chr6-75862070-C-G.
Other names: c.202G>C, p.Gly68Arg (NM_080645.3); short protein forms G1232R, G68R.
Identifiers: ClinVar variation 1968132 (VCV001968132.5), dbSNP rs2533402096, ClinGen allele CA364750063.
Genomic context (GRCh38, chr6:75,152,354, plus strand): 5'-TAAAAATGTCTAAATGGCTCCAATGTTGTCAGAACCTACCAATTTGTACTCTTTTGGGGC[C>G]AATGTCAAAGACTTCCACAATACGAGAAATGAAACTCCTCACGGTTCTAAAATTTGCCCG-3'
Protein context (NP_004361.3, residues 1222-1242): ISRIVEVFDI[Gly1232Arg]PKRVQIALAQ